The following is an entry in ClinVar:

ClinVar aggregate classification (germline): Uncertain significance (1 of 4 stars; one submission).

Allele frequency attached by ClinVar (database versions not stated): TOPMed 0.00001.

Submission:

Labcorp Genetics (formerly Invitae), Labcorp
Classification: Uncertain significance. Last evaluated: 2022-06-22. Review status: criteria provided, single submitter. Criteria: Invitae Variant Classification Sherloc (09022015). Collection method: clinical testing. Allele origin: germline.
Comment: In summary, the available evidence is currently insufficient to determine the role of this variant in disease. Therefore, it has been classified as a Variant of Uncertain Significance. Algorithms developed to predict the effect of missense changes on protein structure and function are either unavailable or do not agree on the potential impact of this missense change (SIFT: "Deleterious"; PolyPhen-2: "Probably Damaging"; Align-GVGD: "Class C0"). This variant has not been reported in the literature in individuals affected with CAD-related conditions. This variant is not present in population databases (gnomAD no frequency). This sequence change replaces alanine, which is neutral and non-polar, with threonine, which is neutral and polar, at codon 697 of the CAD protein (p.Ala697Thr).

NM_004341.5(CAD):c.2089G>A (p.Ala697Thr)

Gene: CAD (carbamoyl-phosphate synthetase 2, aspartate transcarbamylase, and dihydroorotase; plus strand). Cytogenetic location: 2p23.3.
Variant type: single nucleotide variant.
Coding change: c.2089G>A on transcript NM_004341.5 (MANE Select); coding-DNA position 2089, G replaced by A.
Protein change: p.Ala697Thr; replaces alanine 697 with threonine.
Molecular consequence: missense variant.
Genome position (GRCh38, 1-based): chr2:27,226,582, G>A. VCF-style: chr2-27226582-G-A. GRCh37 (hg19) VCF-style: chr2-27449450-G-A.
Other names: c.1900G>A, p.Ala634Thr (NM_001306079.2); short protein forms A634T, A697T.
Identifiers: ClinVar variation 2009339 (VCV002009339.4), dbSNP rs1675452764, ClinGen allele CA346207736.